The following is an entry in ClinVar:

NM_000465.4(BARD1):c.1678-2A>G

Gene: BARD1 (BRCA1 associated RING domain 1; minus strand). Cytogenetic location: 2q35.
Variant type: single nucleotide variant.
Coding change: c.1678-2A>G on transcript NM_000465.4 (MANE Select); the canonical splice acceptor site of the intron before coding-DNA position 1678, A replaced by G.
Molecular consequence: splice acceptor variant. On other transcripts: intron variant (1).
Genome position (GRCh38, 1-based): chr2:214,745,856, T>C on the plus strand (A>G on the coding strand, the complement: BARD1 is on the minus strand). VCF-style: chr2-214745856-T-C. GRCh37 (hg19) VCF-style: chr2-215610580-T-C.
Other names: c.268-2A>G (NM_001282548.2); c.1621-2A>G (NM_001282543.2); c.325-2A>G (NM_001282545.2); c.365-15348A>G (NM_001282549.2).
Identifiers: ClinVar variation 956552 (VCV000956552.15), dbSNP rs1693089850, ClinGen allele CA350453361.
Genomic context (GRCh38, chr2:214,745,856, plus strand): 5'-GAAGACAGCCCACTGCCTATAAGTACAAGAGGTCCATCCCTACGCTGCCCAGTGTTCATC[T>C]GTTAATATAAAAGGAGATACCAGTGTTAAAAACATTAGACGACTAGACAAAGACATTAAA-3'

ClinVar aggregate classification (germline): Pathogenic/Likely pathogenic. Review status: criteria provided, multiple submitters, no conflicts (2 of 4 stars). 3 submissions from 3 submitters: Pathogenic (1); Likely pathogenic (2). Last evaluated 2025-11-05.

Conditions:
Hereditary cancer-predisposing syndrome. Also called: Hereditary neoplastic syndrome; Tumor predisposition; Neoplastic Syndromes, Hereditary; Hereditary Cancer Syndrome. Identifiers: Orphanet 140162, MedGen C0027672, MeSH D009386, MONDO:0015356.
Familial cancer of breast. Also called: hereditary breast carcinoma; Hereditary breast cancer; BREAST CANCER, FAMILIAL. Identifiers: Orphanet 227535, MedGen C0346153, MONDO:0016419, OMIM 114480. Disease mechanism: loss of function.

Allele frequency attached by ClinVar (database versions not stated): gnomAD exomes below 0.00001.

Submissions (3):

Labcorp Genetics (formerly Invitae), Labcorp
Classification: Pathogenic for Familial cancer of breast. Last evaluated: 2025-11-05. Review status: criteria provided, single submitter. Criteria: Invitae Variant Classification Sherloc (09022015). Collection method: clinical testing. Allele origin: germline.
Comment: This sequence change affects an acceptor splice site in intron 7 of the BARD1 gene. RNA analysis indicates that disruption of this splice site induces altered splicing and may result in an absent or altered protein product. This variant is not present in population databases (gnomAD no frequency). This variant has not been reported in the literature in individuals affected with BARD1-related conditions. ClinVar contains an entry for this variant (Variation ID: 956552). Studies have shown that disruption of this splice site results in skipping of exon 8, and produces a non-functional protein and/or introduces a premature termination codon (internal data). For these reasons, this variant has been classified as Pathogenic.

Ambry Genetics
Classification: Likely pathogenic for Hereditary cancer-predisposing syndrome. Last evaluated: 2024-11-01. Review status: criteria provided, single submitter. Criteria: Ambry Variant Classification Scheme 2023. Collection method: clinical testing. Allele origin: germline.
Comment: The c.1678-2A>G intronic variant results from a A to G substitution two nucleotides upstream from coding exon 8 of the BARD1 gene. This nucleotide position is highly conserved in available vertebrate species. In silico splice site analysis predicts that this alteration will weaken the native splice acceptor site; however, direct evidence is insufficient at this time (Ambry internal data). Alterations that disrupt the canonical splice site are expected to cause aberrant splicing, resulting in an abnormal protein or a transcript that is subject to nonsense-mediated mRNA decay. As such, this alteration is classified as likely pathogenic.

Myriad Genetics, Inc.
Classification: Likely pathogenic for Familial cancer of breast. Last evaluated: 2023-05-23. Review status: criteria provided, single submitter. Criteria: Myriad Autosomal Dominant, Autosomal Recessive and X-Linked Classification Criteria (2023). Collection method: clinical testing. Allele origin: unknown.
Comment: This variant is considered likely pathogenic. This variant occurs within a consensus splice junction and is predicted to result in abnormal mRNA splicing of either an out-of-frame exon or an in-frame exon necessary for protein stability and/or normal function.